The following is an entry in ClinVar:

ClinVar aggregate classification (germline): Pathogenic (1 of 4 stars; one submission).

Conditions:
Spastic paraplegia. Identifiers: MedGen C0037772, HP:0001258.

Submission:

Labcorp Genetics (formerly Invitae), Labcorp
Classification: Pathogenic for Spastic paraplegia. Last evaluated: 2022-01-23. Review status: criteria provided, single submitter. Criteria: Invitae Variant Classification Sherloc (09022015). Collection method: clinical testing. Allele origin: germline.
Comment: For these reasons, this variant has been classified as Pathogenic. This variant has not been reported in the literature in individuals affected with ZFYVE26-related conditions. This variant is not present in population databases (gnomAD no frequency). This sequence change creates a premature translational stop signal (p.Ser864*) in the ZFYVE26 gene. It is expected to result in an absent or disrupted protein product. Loss-of-function variants in ZFYVE26 are known to be pathogenic (PMID: 18394578, 19805727).

Literature cited by the submitters: PubMed 18394578; PubMed 19805727.

NM_015346.4(ZFYVE26):c.2591C>G (p.Ser864Ter)

Gene: ZFYVE26 (zinc finger FYVE-type containing 26; minus strand). Cytogenetic location: 14q24.1.
Variant type: single nucleotide variant.
Coding change: c.2591C>G on transcript NM_015346.4 (MANE Select); coding-DNA position 2591, C replaced by G.
Protein change: p.Ser864Ter; replaces serine 864 with a stop codon.
Molecular consequence: nonsense.
Genome position (GRCh38, 1-based): chr14:67,790,736, G>C on the plus strand (C>G on the coding strand, the complement: ZFYVE26 is on the minus strand). VCF-style: chr14-67790736-G-C. GRCh37 (hg19) VCF-style: chr14-68257453-G-C.
Other names: short protein forms S864*.
Identifiers: ClinVar variation 2089255 (VCV002089255.4), dbSNP rs2502832957, ClinGen allele CA390174109.